The following is an entry in ClinVar:

NM_002354.3(EPCAM):c.493G>A (p.Ala165Thr)

Gene: EPCAM (epithelial cell adhesion molecule; plus strand). Cytogenetic location: 2p21.
Variant type: single nucleotide variant.
Coding change: c.493G>A on transcript NM_002354.3 (MANE Select); coding-DNA position 493, G replaced by A.
Protein change: p.Ala165Thr; replaces alanine 165 with threonine.
Molecular consequence: missense variant.
Genome position (GRCh38, 1-based): chr2:47,377,015, G>A. VCF-style: chr2-47377015-G-A. GRCh37 (hg19) VCF-style: chr2-47604154-G-A.
Other names: p.A165T:GCA>ACA; short protein forms A165T.
Identifiers: ClinVar variation 127849 (VCV000127849.43), dbSNP rs146685071, ClinGen allele CA287880.

ClinVar aggregate classification (germline): Conflicting classifications of pathogenicity. Review status: criteria provided, conflicting classifications (1 of 4 stars). 3 submissions from 3 submitters: Uncertain significance (1); Likely benign (1). 1 of the submissions does not count toward it. Last evaluated 2019-06-01.

Conditions:
Hereditary cancer-predisposing syndrome. Also called: Tumor predisposition; Hereditary neoplastic syndrome; Neoplastic Syndromes, Hereditary; Hereditary Cancer Syndrome. Identifiers: Orphanet 140162, MedGen C0027672, MeSH D009386, MONDO:0015356.

Allele frequency attached by ClinVar (database versions not stated): gnomAD 0.00002 and 0.00003; gnomAD exomes 0.00005 and 0.00006; ExAC 0.00007; TOPMed 0.00008; ESP Exome Variant Server 0.00015; 1000 Genomes Project 0.00020; 1000 Genomes Project 30x 0.00031.
gnomAD v4.1: 91 of 1,598,840 alleles (0.0057%); highest among the groups gnomAD compares: Non-Finnish European, 0.0069%; no homozygotes.

Submissions (3):

CeGaT Center for Human Genetics Tuebingen
Classification: Uncertain significance. Last evaluated: 2019-06-01. Review status: criteria provided, single submitter. Criteria: CeGaT Center For Human Genetics Tuebingen Variant Classification Criteria Version 2. Collection method: clinical testing. Allele origin: germline. Affected: yes. Observed: 1 variant allele.

GeneDx
Classification: Likely benign. Last evaluated: 2013-12-19. Review status: criteria provided, single submitter. Criteria: GeneDx Variant Classification (06012015). Collection method: clinical testing. Allele origin: germline. Affected: yes.
Comment: This variant is considered likely benign or benign based on one or more of the following criteria: it is a conservative change, it occurs at a poorly conserved position in the protein, it is predicted to be benign by multiple in silico algorithms, and/or has population frequency not consistent with disease.

True Health Diagnostics
Classification: Likely benign for Hereditary cancer-predisposing syndrome. Last evaluated: 2017-08-14. Review status: no assertion criteria provided. Collection method: clinical testing. Allele origin: germline. Not counted in ClinVar's aggregate classification.